The following is an entry in ClinVar:

NC_000008.10:g.(?_17915043)_(17924827_?)del

Gene: ASAH1 (N-acylsphingosine amidohydrolase 1; minus strand). Cytogenetic location: 8p22.
Variant type: Deletion.
Identifiers: ClinVar variation 3245614 (VCV003245614.1).

ClinVar aggregate classification (germline): Pathogenic (1 of 4 stars; one submission).

Submission:

Labcorp Genetics (formerly Invitae), Labcorp
Classification: Pathogenic. Last evaluated: 2023-11-20. Review status: criteria provided, single submitter. Criteria: Invitae Variant Classification Sherloc (09022015). Collection method: clinical testing. Allele origin: unknown.
Comment: This variant is a gross deletion of the genomic region encompassing exon(s) 5-14 of the ASAH1 gene, which includes the termination codon. This deletion extends beyond the assayed region for this gene and therefore may encompass additional genes. While this deletion is not anticipated to lead to nonsense mediated decay, it is expected to alter mRNA translation or result in a truncated protein product. This variant has not been reported in the literature in individuals affected with ASAH1-related conditions. This variant disrupts a region of the ASAH1 protein in which other variant(s) (p.Pro362Arg) have been determined to be pathogenic (PMID: 10610716, 24164096, 32449975). This suggests that this is a clinically significant region of the protein, and that variants that disrupt it are likely to be disease-causing. For these reasons, this variant has been classified as Pathogenic.

Literature cited by the submitters: PubMed 10610716; PubMed 24164096; PubMed 32449975.